The following is an entry in ClinVar:

NM_001005242.3(PKP2):c.1615A>G (p.Ile539Val)

Gene: PKP2 (plakophilin 2; minus strand). Cytogenetic location: 12p11.21.
Variant type: single nucleotide variant.
Coding change: c.1615A>G on transcript NM_001005242.3 (MANE Select); coding-DNA position 1615, A replaced by G.
Protein change: p.Ile539Val; replaces isoleucine 539 with valine.
Molecular consequence: missense variant.
Genome position (GRCh38, 1-based): chr12:32,824,104, T>C on the plus strand (A>G on the coding strand, the complement: PKP2 is on the minus strand). VCF-style: chr12-32824104-T-C. GRCh37 (hg19) VCF-style: chr12-32977038-T-C.
Other names: c.1615A>G, p.Ile539Val (NM_001407155.1, NM_001407156.1, NM_001407161.1); c.1747A>G, p.Ile583Val (NM_001407157.1, NM_004572.4); c.1288A>G, p.Ile430Val (NM_001407158.1, NM_001407159.1, NM_001407160.1 and 1 more transcripts); short protein forms I430V, I539V, I583V.
Identifiers: ClinVar variation 3224319 (VCV003224319.1), dbSNP rs2541234659, ClinGen allele CA384364849.

ClinVar aggregate classification (germline): Uncertain significance (1 of 4 stars; one submission).

Conditions:
Cardiovascular phenotype. Identifiers: MedGen CN230736.

Submission:

Ambry Genetics
Classification: Uncertain significance for Cardiovascular phenotype. Last evaluated: 2023-12-29. Review status: criteria provided, single submitter. Criteria: Ambry Variant Classification Scheme 2023. Collection method: clinical testing. Allele origin: germline.
Comment: The p.I583V variant (also known as c.1747A>G), located in coding exon 8 of the PKP2 gene, results from an A to G substitution at nucleotide position 1747. The isoleucine at codon 583 is replaced by valine, an amino acid with highly similar properties. This amino acid position is conserved. In addition, this alteration is predicted to be tolerated by in silico analysis. Since supporting evidence is limited at this time, the clinical significance of this alteration remains unclear.